The following is an entry in ClinVar:

NM_001165963.4(SCN1A):c.1273del (p.Ala425fs)

Gene: SCN1A (sodium voltage-gated channel alpha subunit 1; minus strand). Cytogenetic location: 2q24.3.
Variant type: Deletion.
Coding change: c.1273del on transcript NM_001165963.4 (MANE Select); coding-DNA position 1273, one base deleted (G; older notation c.1273delG).
Protein change: p.Ala425fs; shifts the reading frame from alanine 425.
Molecular consequence: frameshift variant. On other transcripts: 5 prime UTR variant (1), non-coding transcript variant (1).
Genome position (GRCh38, 1-based): chr2:166,046,874, C deleted on the plus strand (G on the coding strand, the reverse complement: SCN1A is on the minus strand); the first of 2 consecutive C bases (chr2:166,046,874-166,046,875); deleting either gives the same sequence. VCF-style (leftmost placement, unchanged base first): chr2-166046873-GC-G. GRCh37 (hg19) VCF-style: chr2-166903383-GC-G.
Other names: c.1273del, p.Ala425fs (NM_001165964.3, NM_001202435.3, NM_001353948.2 and 10 more transcripts); c.-1153del (NM_001353961.2); short protein forms A425fs.
Identifiers: ClinVar variation 496116 (VCV000496116.3), dbSNP rs1553546836, ClinGen allele CA658683269.

ClinVar aggregate classification (germline): Pathogenic/Likely pathogenic. Review status: criteria provided, multiple submitters, no conflicts (2 of 4 stars). 2 submissions from 2 submitters: Pathogenic (1); Likely pathogenic (1). Last evaluated 2017-08-22.

Conditions:
Autosomal dominant epilepsy.
Inborn genetic diseases. Identifiers: MedGen C0950123, MeSH D030342.

Submissions (2):

Ambry Genetics
Classification: Pathogenic for Inborn genetic diseases. Last evaluated: 2017-08-22. Review status: criteria provided, single submitter. Criteria: Ambry Variant Classification Scheme 2023. Collection method: clinical testing. Allele origin: germline.
Comment: The c.1273delG pathogenic mutation, located in coding exon 9 of the SCN1A gene, results from a deletion of one nucleotide at nucleotide position 1273, causing a translational frameshift with a predicted alternate stop codon (p.A425Pfs*23). This alteration is expected to result in loss of function by premature protein truncation or nonsense-mediated mRNA decay. As such, this alteration is interpreted as a disease-causing mutation.

Women's Health and Genetics/Laboratory Corporation of America, LabCorp
Classification: Likely pathogenic. Last evaluated: 2016-10-14. Review status: criteria provided, single submitter. Criteria: LabCorp Variant Classification Summary - May 2015. Collection method: clinical testing. Allele origin: germline.
Comment: Variant summary: The SCN1A c.1273delG (p.Ala425Profs) variant results in a premature termination codon, predicted to cause a truncated or absent SCN1A protein due to nonsense mediated decay, which are commonly known mechanisms for disease. Truncations downstream of this position have been classified as pathogenic by our laboratory (e.g. c.1561C>T, p.Gln521X; c.3637C>T, p.Arg1213X; c.4219C>T, p.Arg1407X). One in silico tool predicts a damaging outcome for this variant. This variant is absent in 121312 control chromosomes. The variant of interest has not, to our knowledge, been reported in affected individuals via publications and/or reputable databases/clinical diagnostic laboratories; nor evaluated for functional impact by in vivo/vitro studies. Taken together, this variant is classified as likely pathogenic.